The following is an entry in ClinVar:

NM_001278116.2(L1CAM):c.433C>A (p.Pro145Thr)

Gene: L1CAM (L1 cell adhesion molecule; minus strand). Cytogenetic location: Xq28.
Variant type: single nucleotide variant.
Coding change: c.433C>A on transcript NM_001278116.2 (MANE Select); coding-DNA position 433, C replaced by A.
Protein change: p.Pro145Thr; replaces proline 145 with threonine.
Molecular consequence: missense variant.
Genome position (GRCh38, 1-based): chrX:153,871,147, G>T on the plus strand (C>A on the coding strand, the complement: L1CAM is on the minus strand). VCF-style: chrX-153871147-G-T. GRCh37 (hg19) VCF-style: chrX-153136602-G-T.
Other names: c.433C>A, p.Pro145Thr (NM_000425.5, NM_024003.3); c.418C>A, p.Pro140Thr (NM_001143963.2); short protein forms P145T, P140T.
Identifiers: ClinVar variation 5009871 (VCV005009871.1).

ClinVar aggregate classification (germline): Uncertain significance (1 of 4 stars; one submission).

Submission:

GeneDx
Classification: Uncertain significance. Last evaluated: 2026-03-10. Review status: criteria provided, single submitter. Criteria: GeneDx Variant Classification Process June 2021. Collection method: clinical testing. Allele origin: germline.
Comment: Not observed at significant frequency in large population cohorts (gnomAD); In silico analysis supports that this missense variant has a deleterious effect on protein structure/function; Has not been previously published as pathogenic or benign to our knowledge; This variant is associated with the following publications: (PMID: 25641508)